The following is an entry in ClinVar:

ClinVar aggregate classification (germline): Pathogenic (1 of 4 stars; one submission).

Allele frequency attached by ClinVar (database versions not stated): gnomAD exomes below 0.00001; TOPMed below 0.00001; gnomAD 0.00001.
gnomAD v4.1: 4 of 1,613,026 alleles (0.00025%); highest among the groups gnomAD compares: East Asian, 0.0022%; no homozygotes.

Submission:

Labcorp Genetics (formerly Invitae), Labcorp
Classification: Pathogenic. Last evaluated: 2020-04-03. Review status: criteria provided, single submitter. Criteria: Invitae Variant Classification Sherloc (09022015). Collection method: clinical testing. Allele origin: germline.
Comment: For these reasons, this variant has been classified as Pathogenic. Loss-of-function variants in COL27A1 are known to be pathogenic (PMID: 24986830, 28276056). This variant has not been reported in the literature in individuals with COL27A1-related conditions. This variant is not present in population databases (ExAC no frequency). This sequence change creates a premature translational stop signal (p.Arg933*) in the COL27A1 gene. It is expected to result in an absent or disrupted protein product.

Literature cited by the submitters: PubMed 24986830; PubMed 28276056.

NM_032888.4(COL27A1):c.2797C>T (p.Arg933Ter)

Gene: COL27A1 (collagen type XXVII alpha 1 chain; plus strand). Cytogenetic location: 9q32.
Variant type: single nucleotide variant.
Coding change: c.2797C>T on transcript NM_032888.4 (MANE Select); coding-DNA position 2797, C replaced by T.
Protein change: p.Arg933Ter; replaces arginine 933 with a stop codon.
Molecular consequence: nonsense.
Genome position (GRCh38, 1-based): chr9:114,240,449, C>T. VCF-style: chr9-114240449-C-T. GRCh37 (hg19) VCF-style: chr9-117002729-C-T.
Other names: short protein forms R933*.
Identifiers: ClinVar variation 1071799 (VCV001071799.7), dbSNP rs940642841, ClinGen allele CA198624015.
Genomic context (GRCh38, chr9:114,240,449, plus strand): 5'-GGAGGTACCGCCTCTGAGACTCCCTTTTTGTTCCCTTCTCCCCAGGGTAAGCCTGGAGCC[C>T]GAGGCCTGCCGGGACCCCGTGGGCAGCTGGGGCCCGAGGTGAGACTGTCTGGCCCCCTCC-3'